The following is an entry in ClinVar:

NM_000235.4(LIPA):c.746C>T (p.Thr249Ile)

Gene: LIPA (lipase A, lysosomal acid type; minus strand). Cytogenetic location: 10q23.31.
Variant type: single nucleotide variant.
Coding change: c.746C>T on transcript NM_000235.4 (MANE Select); coding-DNA position 746, C replaced by T.
Protein change: p.Thr249Ile; replaces threonine 249 with isoleucine.
Molecular consequence: missense variant.
Genome position (GRCh38, 1-based): chr10:89,223,760, G>A on the plus strand (C>T on the coding strand, the complement: LIPA is on the minus strand). VCF-style: chr10-89223760-G-A. GRCh37 (hg19) VCF-style: chr10-90983517-G-A.
Other names: c.746C>T, p.Thr249Ile (NM_001127605.3); c.398C>T, p.Thr133Ile (NM_001288979.2); c.746C>T (NM_000235.2); short protein forms T133I, T249I.
Identifiers: ClinVar variation 962413 (VCV000962413.10), dbSNP rs373857537, ClinGen allele CA5593624.

ClinVar aggregate classification (germline): Uncertain significance. Review status: criteria provided, multiple submitters, no conflicts (2 of 4 stars). 4 submissions from 4 submitters: Uncertain significance (3). 1 of the submissions does not count toward it. Last evaluated 2026-08-31.

Conditions:
Wolman disease (WOLD). Also called: Acid cholesteryl ester hydrolase deficiency, Wolman type; Acid lipase disease; LYSOSOMAL ACID LIPASE DEFICIENCY, ACUTE INFANTILE; LYSOSOMAL ACID LIPASE DEFICIENCY, COMPLETE; LIPA DEFICIENCY, COMPLETE; LAL DEFICIENCY, COMPLETE. Identifiers: Orphanet 75233, MedGen C0043208, MONDO:0019148, OMIM 620151.
Lysosomal acid lipase deficiency. Also called: Acid cholesteryl ester hydrolase deficiency, type 2. Identifiers: Orphanet 275761, MedGen C5574740, MONDO:0800449, MONDO:0010204.
Cardiovascular phenotype. Identifiers: MedGen CN230736.

Allele frequency attached by ClinVar (database versions not stated): TOPMed 0.00001; ESP Exome Variant Server 0.00008; ExAC 0.00001; gnomAD exomes 0.00001.
gnomAD v4.1: 4 of 1,613,780 alleles (0.00025%); highest among the groups gnomAD compares: Admixed American, 0.0033%; no homozygotes.

Submissions (4):

Ambry Genetics
Classification: Uncertain significance for Cardiovascular phenotype. Last evaluated: 2026-08-31. Review status: criteria provided, single submitter. Criteria: Ambry Variant Classification Scheme 2023. Collection method: clinical testing. Allele origin: germline.
Comment: The p.T249I variant (also known as c.746C>T), located in coding exon 6 of the LIPA gene, results from a C to T substitution at nucleotide position 746. The threonine at codon 249 is replaced by isoleucine, an amino acid with similar properties. This amino acid position is not well conserved in available vertebrate species. In addition, this alteration is predicted to be tolerated by in silico analysis. Based on the available evidence, the clinical significance of this variant remains unclear.

New York Genome Center
Classification: Uncertain significance for Cholesteryl ester storage disease. Last evaluated: 2022-07-08. Review status: criteria provided, single submitter. Criteria: NYGC Assertion Criteria 2020. Collection method: clinical testing. Allele origin: germline. Observed: 1 heterozygote.

Labcorp Genetics (formerly Invitae), Labcorp
Classification: Uncertain significance for Wolman disease. Last evaluated: 2021-09-02. Review status: criteria provided, single submitter. Criteria: Invitae Variant Classification Sherloc (09022015). Collection method: clinical testing. Allele origin: germline.
Comment: This sequence change replaces threonine with isoleucine at codon 249 of the LIPA protein (p.Thr249Ile). The threonine residue is weakly conserved and there is a moderate physicochemical difference between threonine and isoleucine. This variant is present in population databases (rs373857537, ExAC 0.009%). This variant has not been reported in the literature in individuals affected with LIPA-related conditions. Algorithms developed to predict the effect of missense changes on protein structure and function are either unavailable or do not agree on the potential impact of this missense change (SIFT: "Tolerated"; PolyPhen-2: "Possibly Damaging"; Align-GVGD: "Class C0"). In summary, the available evidence is currently insufficient to determine the role of this variant in disease. Therefore, it has been classified as a Variant of Uncertain Significance.

Natera, Inc.
Classification: Uncertain significance for Lysosomal acid lipase deficiency. Last evaluated: 2020-12-05. Review status: no assertion criteria provided. Collection method: clinical testing. Allele origin: germline. Not counted in ClinVar's aggregate classification.